The following is an entry in ClinVar:

NM_001130987.2(DYSF):c.1007A>G (p.Asp336Gly)

Gene: DYSF (dysferlin; plus strand). Cytogenetic location: 2p13.2.
Variant type: single nucleotide variant.
Coding change: c.1007A>G on transcript NM_001130987.2 (MANE Select); coding-DNA position 1007, A replaced by G.
Protein change: p.Asp336Gly; replaces aspartic acid 336 with glycine.
Molecular consequence: missense variant.
Genome position (GRCh38, 1-based): chr2:71,520,182, A>G. VCF-style: chr2-71520182-A-G. GRCh37 (hg19) VCF-style: chr2-71747312-A-G.
Other names: c.914A>G, p.Asp305Gly (NM_001130455.2, NM_001130983.2, NM_001130984.2 and 1 more transcripts); c.911A>G, p.Asp304Gly (NM_001130976.2, NM_001130977.2, NM_001130978.2 and 1 more transcripts); c.1004A>G, p.Asp335Gly (NM_001130979.2, NM_001130980.2, NM_001130981.2); c.1007A>G, p.Asp336Gly (NM_001130982.2, NM_001130985.2); short protein forms D304G, D305G, D335G, D336G.
Identifiers: ClinVar variation 1513475 (VCV001513475.21), dbSNP rs763604611, ClinGen allele CA1705568.

ClinVar aggregate classification (germline): Conflicting classifications of pathogenicity. Review status: criteria provided, conflicting classifications (1 of 4 stars). 4 submissions from 4 submitters: Uncertain significance (3); Likely benign (1). Last evaluated 2024-09-01.

Conditions:
Neuromuscular disease caused by qualitative or quantitative defects of dysferlin. Also called: Dysferlinopathy; Qualitative or quantitative defects of dysferlin. Identifiers: Orphanet 207073, MedGen C2931687, MONDO:0016145.
Autosomal recessive limb-girdle muscular dystrophy type 2B (LGMDR2). Also called: MUSCULAR DYSTROPHY, LIMB-GIRDLE, AUTOSOMAL RECESSIVE 2; Limb-Girdle Muscular Dystrophy Type 2B (LGMD2B); Limb-girdle muscular dystrophy, type 2B; MUSCULAR DYSTROPHY, LIMB-GIRDLE, TYPE 3. Identifiers: Orphanet 268, MedGen C1850889, MONDO:0009676, OMIM 253601.

Allele frequency attached by ClinVar (database versions not stated): gnomAD exomes 0.00002; ExAC 0.00004.
gnomAD v4.1: 52 of 1,614,064 alleles (0.0032%); highest among the groups gnomAD compares: Middle Eastern, 0.033%; 1 homozygote.

Submissions (4):

CeGaT Center for Human Genetics Tuebingen
Classification: Likely benign. Last evaluated: 2024-09-01. Review status: criteria provided, single submitter. Criteria: CeGaT Center For Human Genetics Tuebingen Variant Classification Criteria Version 2. Collection method: clinical testing. Allele origin: germline. Affected: yes. Observed: 1 variant allele.
Comment: DYSF: BS2

Intergen Genetics and Rare Diseases Diagnosis Center
Classification: Uncertain significance for Autosomal recessive limb-girdle muscular dystrophy type 2B. Last evaluated: 2024-03-19. Review status: criteria provided, single submitter. Criteria: ACMG Guidelines, 2015. Collection method: clinical testing. Allele origin: germline. Inheritance: Autosomal recessive inheritance. Affected: no. Observed: 1 heterozygote.

MGZ Medical Genetics Center
Classification: Uncertain significance for Autosomal recessive limb-girdle muscular dystrophy type 2B. Last evaluated: 2022-08-08. Review status: criteria provided, single submitter. Criteria: ACMG Guidelines, 2015. Collection method: clinical testing. Allele origin: germline. Affected: yes. Observed: 1 variant allele.
Comment: ACMG criteria applied: PM2_SUP, PP3

Labcorp Genetics (formerly Invitae), Labcorp
Classification: Uncertain significance for Neuromuscular disease caused by qualitative or quantitative defects of dysferlin. Last evaluated: 2022-06-20. Review status: criteria provided, single submitter. Criteria: Invitae Variant Classification Sherloc (09022015). Collection method: clinical testing. Allele origin: germline.
Comment: This sequence change replaces aspartic acid, which is acidic and polar, with glycine, which is neutral and non-polar, at codon 304 of the DYSF protein (p.Asp304Gly). This variant is present in population databases (rs763604611, gnomAD 0.01%). This variant has not been reported in the literature in individuals affected with DYSF-related conditions. Advanced modeling of protein sequence and biophysical properties (such as structural, functional, and spatial information, amino acid conservation, physicochemical variation, residue mobility, and thermodynamic stability) performed at Invitae indicates that this missense variant is expected to disrupt DYSF protein function. Algorithms developed to predict the effect of sequence changes on RNA splicing suggest that this variant may disrupt the consensus splice site. In summary, the available evidence is currently insufficient to determine the role of this variant in disease. Therefore, it has been classified as a Variant of Uncertain Significance.